The following is an entry in ClinVar:

NM_003640.5(ELP1):c.2959-2A>G

Gene: ELP1 (elongator acetyltransferase complex subunit 1; minus strand). Cytogenetic location: 9q31.3.
Variant type: single nucleotide variant.
Coding change: c.2959-2A>G on transcript NM_003640.5 (MANE Select); the canonical splice acceptor site of the intron before coding-DNA position 2959, A replaced by G.
Molecular consequence: splice acceptor variant.
Genome position (GRCh38, 1-based): chr9:108,891,406, T>C on the plus strand (A>G on the coding strand, the complement: ELP1 is on the minus strand). VCF-style: chr9-108891406-T-C. GRCh37 (hg19) VCF-style: chr9-111653686-T-C.
Other names: c.2617-2A>G (NM_001318360.2); c.1912-2A>G (NM_001330749.2).
Identifiers: ClinVar variation 4815215 (VCV004815215.1).

ClinVar aggregate classification (germline): Likely pathogenic (1 of 4 stars; one submission).

Conditions:
Familial dysautonomia. Also called: HSAN III; FD. Identifiers: Orphanet 1764, MedGen C0013364, MONDO:0009131, OMIM 223900. Disease mechanism: loss of function.

Submission:

Natera, Inc.
Classification: Likely pathogenic for Familial dysautonomia. Last evaluated: 2025-07-17. Review status: criteria provided, single submitter. Criteria: Natera Variant Classification Schema (03/2026). Collection method: clinical testing. Allele origin: germline.
Comment: The c.2959-2A>G variant in ELP1 is a canonical splice acceptor site variant predicted to affect pre-mRNA splicing, which may result in an abnormal transcript and altered protein product. This variant is expected to result in nonsense mediated decay, truncation, or a dysfunctional protein product. This variant is rare in the general population with a frequency below the threshold expected for the associated phenotype(s). Given the available evidence, this variant is classified as Likely Pathogenic.